The following is an entry in ClinVar:

NM_152468.5(TMC8):c.70G>A (p.Ala24Thr)

Genes: TMC6 (transmembrane channel like 6; minus strand), TMC8 (transmembrane channel like 8; plus strand), LOC130061792 (ATAC-STARR-seq lymphoblastoid silent region 9043; plus strand). Cytogenetic location: 17q25.3.
Variant type: single nucleotide variant.
Coding change: c.70G>A on transcript NM_152468.5 (MANE Select); coding-DNA position 70, G replaced by A.
Protein change: p.Ala24Thr; replaces alanine 24 with threonine.
Molecular consequence: missense variant. On other transcripts: intron variant (1).
Genome position (GRCh38, 1-based): chr17:78,131,658, G>A. VCF-style: chr17-78131658-G-A. GRCh37 (hg19) VCF-style: chr17-76127739-G-A.
Other names: c.-75+683C>T (NM_007267.7); short protein forms A24T.
Identifiers: ClinVar variation 1474040 (VCV001474040.9), dbSNP rs2074972673, ClinGen allele CA401238963.

ClinVar aggregate classification (germline): Uncertain significance (1 of 4 stars; one submission).

Conditions:
Epidermodysplasia verruciformis. Identifiers: Orphanet 302, MedGen C0014522, MONDO:0009176.

Submission:

Labcorp Genetics (formerly Invitae), Labcorp
Classification: Uncertain significance for Epidermodysplasia verruciformis. Last evaluated: 2021-07-18. Review status: criteria provided, single submitter. Criteria: Invitae Variant Classification Sherloc (09022015). Collection method: clinical testing. Allele origin: germline.
Comment: This variant has not been reported in the literature in individuals affected with TMC8-related conditions. In summary, the available evidence is currently insufficient to determine the role of this variant in disease. Therefore, it has been classified as a Variant of Uncertain Significance. Algorithms developed to predict the effect of missense changes on protein structure and function (SIFT, PolyPhen-2, Align-GVGD) all suggest that this variant is likely to be tolerated. The frequency data for this variant in the population databases is considered unreliable, as metrics indicate insufficient coverage at this position in the ExAC database. This sequence change replaces alanine with threonine at codon 24 of the TMC8 protein (p.Ala24Thr). The alanine residue is weakly conserved and there is a small physicochemical difference between alanine and threonine.